The following is an entry in ClinVar:

NC_000016.9:g.(?_148123)_(188266_?)dup

Gene: NPRL3 (NPR3 like, GATOR1 complex subunit; minus strand). Cytogenetic location: 16p13.3.
Variant type: Duplication.
Identifiers: ClinVar variation 1511249 (VCV001511249.5).

ClinVar aggregate classification (germline): Uncertain significance (1 of 4 stars; one submission).

Conditions:
Epilepsy, familial focal, with variable foci 3 (FFEVF3). Identifiers: MedGen C4310708, MONDO:0014925, OMIM 617118.

Submission:

Labcorp Genetics (formerly Invitae), Labcorp
Classification: Uncertain significance for Epilepsy, familial focal, with variable foci 3. Last evaluated: 2023-06-24. Review status: criteria provided, single submitter. Criteria: Invitae Variant Classification Sherloc (09022015). Collection method: clinical testing. Allele origin: germline.
Comment: In summary, the available evidence is currently insufficient to determine the role of this variant in disease. Therefore, it has been classified as a Variant of Uncertain Significance. Experimental studies and prediction algorithms are not available or were not evaluated, and the functional significance of this variant is currently unknown. This variant has not been reported in the literature in individuals affected with NPRL3-related conditions. This variant results in a copy number gain of the genomic region encompassing exon(s) 2-9 of the NPRL3 gene. This region includes the initiator codon of the gene. This copy number gain extends beyond the assayed region for this gene and therefore may encompass additional genes. As the precise location of this event is unknown, it may be in tandem or it may be located elsewhere in the genome.